The following is an entry in ClinVar:

ClinVar aggregate classification (germline): Uncertain significance (1 of 4 stars; one submission).

Conditions:
Inborn genetic diseases. Identifiers: MedGen C0950123, MeSH D030342.

Submission:

Ambry Genetics
Classification: Uncertain significance for Inborn genetic diseases. Last evaluated: 2026-03-29. Review status: criteria provided, single submitter. Criteria: Ambry Variant Classification Scheme 2023. Collection method: clinical testing. Allele origin: germline.
Comment: The p.V86I variant (also known as c.256G>A), located in coding exon 2 of the MBD4 gene, results from a G to A substitution at nucleotide position 256. The valine at codon 86 is replaced by isoleucine, an amino acid with highly similar properties. This amino acid position is conserved. In addition, this alteration is predicted to be tolerated by in silico analysis. Based on the available evidence, the clinical significance of this variant remains unclear.

NM_001276270.2(MBD4):c.256G>A (p.Val86Ile)

Gene: MBD4 (methyl-CpG binding domain 4, DNA glycosylase; minus strand). Cytogenetic location: 3q21.3.
Variant type: single nucleotide variant.
Coding change: c.256G>A on transcript NM_001276270.2 (MANE Select); coding-DNA position 256, G replaced by A.
Protein change: p.Val86Ile; replaces valine 86 with isoleucine.
Molecular consequence: missense variant. On other transcripts: intron variant (1).
Genome position (GRCh38, 1-based): chr3:129,437,799, C>T on the plus strand (G>A on the coding strand, the complement: MBD4 is on the minus strand). VCF-style: chr3-129437799-C-T. GRCh37 (hg19) VCF-style: chr3-129156642-C-T.
Other names: c.256G>A, p.Val86Ile (NM_001276271.2, NM_001276272.2, NM_003925.3); c.247+9G>A (NM_001276273.2); short protein forms V86I.
Identifiers: ClinVar variation 4859568 (VCV004859568.1).